The following is an entry in ClinVar:

ClinVar aggregate classification (germline): Uncertain significance (1 of 4 stars; one submission).

gnomAD v4.1: 4 of 1,614,168 alleles (0.00025%); highest among the groups gnomAD compares: Non-Finnish European, 0.00034%; no homozygotes.

Submission:

Labcorp Genetics (formerly Invitae), Labcorp
Classification: Uncertain significance. Last evaluated: 2021-04-25. Review status: criteria provided, single submitter. Criteria: Invitae Variant Classification Sherloc (09022015). Collection method: clinical testing. Allele origin: germline.
Comment: Algorithms developed to predict the effect of missense changes on protein structure and function (SIFT, PolyPhen-2, Align-GVGD) all suggest that this variant is likely to be disruptive, but these predictions have not been confirmed by published functional studies and their clinical significance is uncertain. This variant has not been reported in the literature in individuals with MYO1E-related conditions. This variant is not present in population databases (ExAC no frequency). This sequence change replaces proline with serine at codon 308 of the MYO1E protein (p.Pro308Ser). The proline residue is highly conserved and there is a moderate physicochemical difference between proline and serine. In summary, the available evidence is currently insufficient to determine the role of this variant in disease. Therefore, it has been classified as a Variant of Uncertain Significance.

NM_004998.4(MYO1E):c.922C>T (p.Pro308Ser)

Gene: MYO1E (myosin IE; minus strand). Cytogenetic location: 15q22.2.
Variant type: single nucleotide variant.
Coding change: c.922C>T on transcript NM_004998.4 (MANE Select); coding-DNA position 922, C replaced by T.
Protein change: p.Pro308Ser; replaces proline 308 with serine.
Molecular consequence: missense variant.
Genome position (GRCh38, 1-based): chr15:59,218,076, G>A on the plus strand (C>T on the coding strand, the complement: MYO1E is on the minus strand). VCF-style: chr15-59218076-G-A. GRCh37 (hg19) VCF-style: chr15-59510275-G-A.
Other names: short protein forms P308S.
Identifiers: ClinVar variation 1348893 (VCV001348893.8), dbSNP rs145427071, ClinGen allele CA392651001.